The following is an entry in ClinVar:

ClinVar aggregate classification (germline): Uncertain significance (1 of 4 stars; one submission).

Allele frequency attached by ClinVar (database versions not stated): ExAC 0.00003; TOPMed 0.00003; gnomAD exomes 0.00005; gnomAD 0.00006; 1000 Genomes Project 0.00020; 1000 Genomes Project 30x 0.00031.
gnomAD v4.1: 322 of 1,612,220 alleles (0.02%); highest among the groups gnomAD compares: Non-Finnish European, 0.026%; no homozygotes.

Submission:

Labcorp Genetics (formerly Invitae), Labcorp
Classification: Uncertain significance. Last evaluated: 2026-01-25. Review status: criteria provided, single submitter. Criteria: Invitae Variant Classification Sherloc (09022015). Collection method: clinical testing. Allele origin: germline.
Comment: This sequence change creates a premature translational stop signal (p.Arg508*) in the TNNI3K gene. It is expected to result in an absent or disrupted protein product. However, the current clinical and genetic evidence is not sufficient to establish whether loss-of-function variants in TNNI3K cause disease. This variant is present in population databases (rs41289190, gnomAD 0.008%). This variant has not been reported in the literature in individuals affected with TNNI3K-related conditions. ClinVar contains an entry for this variant (Variation ID: 1496144). Algorithms developed to predict the effect of sequence changes on RNA splicing suggest that this variant may disrupt the consensus splice site. In summary, the available evidence is currently insufficient to determine the role of this variant in disease. Therefore, it has been classified as a Variant of Uncertain Significance.

NM_015978.3(TNNI3K):c.1522C>T (p.Arg508Ter)

Genes: TNNI3K (TNNI3 interacting kinase; plus strand), FPGT-TNNI3K (FPGT-TNNI3K readthrough; plus strand). Cytogenetic location: 1p31.1.
Variant type: single nucleotide variant.
Coding change: c.1522C>T on transcript NM_015978.3 (MANE Select); coding-DNA position 1522, C replaced by T.
Protein change: p.Arg508Ter; replaces arginine 508 with a stop codon.
Molecular consequence: nonsense.
Genome position (GRCh38, 1-based): chr1:74,369,440, C>T. VCF-style: chr1-74369440-C-T. GRCh37 (hg19) VCF-style: chr1-74835124-C-T.
Other names: c.1825C>T, p.Arg609Ter (NM_001112808.3, NM_001199327.2); short protein forms R508*, R609*.
Identifiers: ClinVar variation 1496144 (VCV001496144.6), dbSNP rs41289190, ClinGen allele CA909321.